The following is an entry in ClinVar:

NM_000432.4(MYL2):c.212A>T (p.Lys71Met)

Gene: MYL2 (myosin light chain 2; minus strand). Cytogenetic location: 12q24.11.
Variant type: single nucleotide variant.
Coding change: c.212A>T on transcript NM_000432.4 (MANE Select); coding-DNA position 212, A replaced by T.
Protein change: p.Lys71Met; replaces lysine 71 with methionine.
Molecular consequence: missense variant.
Genome position (GRCh38, 1-based): chr12:110,914,248, T>A on the plus strand (A>T on the coding strand, the complement: MYL2 is on the minus strand). VCF-style: chr12-110914248-T-A. GRCh37 (hg19) VCF-style: chr12-111352052-T-A.
Other names: short protein forms K71M.
Identifiers: ClinVar variation 1511100 (VCV001511100.6), dbSNP rs2136772274, ClinGen allele CA386698771.

ClinVar aggregate classification (germline): Uncertain significance (1 of 4 stars; one submission).

Conditions:
Hypertrophic cardiomyopathy 10. Also called: CARDIOMYOPATHY, HYPERTROPHIC, MID-LEFT VENTRICULAR CHAMBER TYPE, 2; MYL2-Related Familial Hypertrophic Cardiomyopathy. Identifiers: MedGen C1834460, MONDO:0012112, OMIM 608758.

Submission:

Labcorp Genetics (formerly Invitae), Labcorp
Classification: Uncertain significance for Hypertrophic cardiomyopathy 10. Last evaluated: 2021-08-07. Review status: criteria provided, single submitter. Criteria: Invitae Variant Classification Sherloc (09022015). Collection method: clinical testing. Allele origin: germline.
Comment: In summary, the available evidence is currently insufficient to determine the role of this variant in disease. Therefore, it has been classified as a Variant of Uncertain Significance. Algorithms developed to predict the effect of missense changes on protein structure and function are either unavailable or do not agree on the potential impact of this missense change (SIFT: "Deleterious"; PolyPhen-2: "Possibly Damaging"; Align-GVGD: "Class C0"). This variant has not been reported in the literature in individuals affected with MYL2-related conditions. This variant is not present in population databases (ExAC no frequency). This sequence change replaces lysine with methionine at codon 71 of the MYL2 protein (p.Lys71Met). The lysine residue is highly conserved and there is a moderate physicochemical difference between lysine and methionine.